The following is an entry in ClinVar:

ClinVar aggregate classification (germline): Uncertain significance (1 of 4 stars; one submission).

Conditions:
Hypertrophic cardiomyopathy 26. Also called: Cardiomyopathy, familial hypertrophic, 26. Identifiers: Orphanet 75249, MedGen C4310749, MONDO:0014883, OMIM 617047.
Myofibrillar myopathy 5. Also called: Filaminopathy (type); FILAMINOPATHY, AUTOSOMAL DOMINANT. Identifiers: Orphanet 171445, MedGen C1836050, MONDO:0012289, OMIM 609524.
Distal myopathy with posterior leg and anterior hand involvement. Also called: WILLIAMS DISTAL MYOPATHY. Identifiers: Orphanet 63273, MedGen C3279722, MONDO:0013550, OMIM 614065.

Submission:

Labcorp Genetics (formerly Invitae), Labcorp
Classification: Uncertain significance for Distal myopathy with posterior leg and anterior hand involvement; Myofibrillar myopathy 5; Hypertrophic cardiomyopathy 26. Last evaluated: 2024-04-08. Review status: criteria provided, single submitter. Criteria: Invitae Variant Classification Sherloc (09022015). Collection method: clinical testing. Allele origin: germline.
Comment: This sequence change replaces glutamic acid, which is acidic and polar, with aspartic acid, which is acidic and polar, at codon 634 of the FLNC protein (p.Glu634Asp). This variant is not present in population databases (gnomAD no frequency). This variant has not been reported in the literature in individuals affected with FLNC-related conditions. Advanced modeling of protein sequence and biophysical properties (such as structural, functional, and spatial information, amino acid conservation, physicochemical variation, residue mobility, and thermodynamic stability) has been performed at Invitae for this missense variant, however the output from this modeling did not meet the statistical confidence thresholds required to predict the impact of this variant on FLNC protein function. In summary, the available evidence is currently insufficient to determine the role of this variant in disease. Therefore, it has been classified as a Variant of Uncertain Significance.

NM_001458.5(FLNC):c.1902G>T (p.Glu634Asp)

Gene: FLNC (filamin C; plus strand). Cytogenetic location: 7q32.1.
Variant type: single nucleotide variant.
Coding change: c.1902G>T on transcript NM_001458.5 (MANE Select); coding-DNA position 1902, G replaced by T.
Protein change: p.Glu634Asp; replaces glutamic acid 634 with aspartic acid.
Molecular consequence: missense variant.
Genome position (GRCh38, 1-based): chr7:128,841,258, G>T. VCF-style: chr7-128841258-G-T. GRCh37 (hg19) VCF-style: chr7-128481312-G-T.
Other names: c.1902G>T, p.Glu634Asp (NM_001127487.2); short protein forms E634D.
Identifiers: ClinVar variation 3748871 (VCV003748871.2).